The following is an entry in ClinVar:

NM_007272.3(CTRC):c.493+1G>A

Gene: CTRC (chymotrypsin C; plus strand). Cytogenetic location: 1p36.21.
Variant type: single nucleotide variant.
Coding change: c.493+1G>A on transcript NM_007272.3 (MANE Select); the canonical splice donor site of the intron after coding-DNA position 493, G replaced by A.
Molecular consequence: splice donor variant.
Genome position (GRCh38, 1-based): chr1:15,443,556, G>A. VCF-style: chr1-15443556-G-A. GRCh37 (hg19) VCF-style: chr1-15770051-G-A.
Identifiers: ClinVar variation 4739065 (VCV004739065.1).

ClinVar aggregate classification (germline): Uncertain significance (1 of 4 stars; one submission).

Conditions:
Hereditary pancreatitis (PCTT). Also called: Hereditary chronic pancreatitis; PRSS1-Related Hereditary Pancreatitis. Identifiers: Orphanet 676, MedGen C0238339, MONDO:0008185, OMIM 167800.

Submission:

Labcorp Genetics (formerly Invitae), Labcorp
Classification: Uncertain significance for Hereditary pancreatitis. Last evaluated: 2025-02-20. Review status: criteria provided, single submitter. Criteria: Invitae Variant Classification Sherloc (09022015). Collection method: clinical testing. Allele origin: germline.
Comment: This sequence change affects a donor splice site in intron 5 of the CTRC gene. It is expected to disrupt RNA splicing. Variants that disrupt the donor or acceptor splice site typically lead to a loss of protein function (PMID: 16199547), however the current clinical and genetic evidence is not sufficient to establish whether loss-of-function variants in CTRC cause disease. This variant is not present in population databases (gnomAD no frequency). Disruption of this splice site has been observed in individual(s) with idiopathic chronic pancreatitis (PMID: 30420730). Algorithms developed to predict the effect of sequence changes on RNA splicing suggest that this variant may disrupt the consensus splice site. In summary, the available evidence is currently insufficient to determine the role of this variant in disease. Therefore, it has been classified as a Variant of Uncertain Significance.

Literature cited by the submitters: PubMed 16199547; PubMed 30420730.